The following is an entry in ClinVar:

ClinVar aggregate classification (germline): Uncertain significance. Review status: criteria provided, multiple submitters, no conflicts (2 of 4 stars). 2 submissions from 2 submitters: Uncertain significance (2). Last evaluated 2026-01-21.

Conditions:
Inborn genetic diseases. Identifiers: MedGen C0950123, MeSH D030342.

Allele frequency attached by ClinVar (database versions not stated): ExAC 0.00002; gnomAD exomes 0.00005.
gnomAD v4.1: 42 of 1,612,628 alleles (0.0026%); highest among the groups gnomAD compares: East Asian, 0.013%; no homozygotes.

Submissions (2):

Labcorp Genetics (formerly Invitae), Labcorp
Classification: Uncertain significance. Last evaluated: 2026-01-21. Review status: criteria provided, single submitter. Criteria: Invitae Variant Classification Sherloc (09022015). Collection method: clinical testing. Allele origin: germline.
Comment: This sequence change replaces arginine, which is basic and polar, with glutamine, which is neutral and polar, at codon 751 of the ADAMTSL4 protein (p.Arg751Gln). This variant is present in population databases (rs753302240, gnomAD 0.02%). This variant has not been reported in the literature in individuals affected with ADAMTSL4-related conditions. ClinVar contains an entry for this variant (Variation ID: 1407868). Invitae Evidence Modeling of protein sequence and biophysical properties (such as structural, functional, and spatial information, amino acid conservation, physicochemical variation, residue mobility, and thermodynamic stability) has been performed for this missense variant. However, the output from this modeling did not meet the statistical confidence thresholds required to predict the impact of this variant on ADAMTSL4 protein function. In summary, the available evidence is currently insufficient to determine the role of this variant in disease. Therefore, it has been classified as a Variant of Uncertain Significance.

Ambry Genetics
Classification: Uncertain significance for Inborn genetic diseases. Last evaluated: 2025-01-27. Review status: criteria provided, single submitter. Criteria: Ambry Variant Classification Scheme 2023. Collection method: clinical testing. Allele origin: germline.

NM_019032.6(ADAMTSL4):c.2252G>A (p.Arg751Gln)

Gene: ADAMTSL4 (ADAMTS like 4; plus strand). Cytogenetic location: 1q21.2.
Variant type: single nucleotide variant.
Coding change: c.2252G>A on transcript NM_019032.6 (MANE Select); coding-DNA position 2252, G replaced by A.
Protein change: p.Arg751Gln; replaces arginine 751 with glutamine.
Molecular consequence: missense variant.
Genome position (GRCh38, 1-based): chr1:150,558,019, G>A. VCF-style: chr1-150558019-G-A. GRCh37 (hg19) VCF-style: chr1-150530495-G-A.
Other names: c.2252G>A (NM_019032.4); c.2135G>A, p.Arg712Gln (NM_001288607.2); c.2321G>A, p.Arg774Gln (NM_001288608.2); c.2252G>A, p.Arg751Gln (NM_001378596.1, NM_025008.5); short protein forms R751Q, R774Q, R712Q.
Identifiers: ClinVar variation 1407868 (VCV001407868.8), dbSNP rs753302240, ClinGen allele CA1078595.
Genomic context (GRCh38, chr1:150,558,019, plus strand): 5'-AGTGGACATCCTGCAGCCGCTCCTGTGGCCCCGGCACCCAGCACCGCCAGCTGCAGTGCC[G>A]GCAGGAATTTGGGGGGGGTGGCTCCTCGGTGCCCCCGGAGCGCTGTGGACATCTCCCCCG-3'
Protein context (NP_061905.2, residues 741-761): PGTQHRQLQC[Arg751Gln]QEFGGGGSSV